The following is an entry in ClinVar:

ClinVar aggregate classification (germline): Likely pathogenic. Review status: criteria provided, multiple submitters, no conflicts (2 of 4 stars). 2 submissions from 2 submitters: Likely pathogenic (2). Last evaluated 2026-03-06.

Conditions:
Becker muscular dystrophy (BMD). Also called: MUSCULAR DYSTROPHY, PSEUDOHYPERTROPHIC PROGRESSIVE, BECKER TYPE; Becker Muscular Dystrophy (BMD). Identifiers: Orphanet 98895, MedGen C0917713, MONDO:0010311, OMIM 300376.
Duchenne muscular dystrophy (DMD). Also called: Duchenne Muscular Dystrophy (DMD); MUSCULAR DYSTROPHY, PSEUDOHYPERTROPHIC PROGRESSIVE, DUCHENNE TYPE. Identifiers: Orphanet 98896, MedGen C0013264, MONDO:0010679, OMIM 310200.
Neuromuscular disease caused by qualitative or quantitative defects of dystrophin. Also called: Qualitative or quantitative defects of dystrophin. Identifiers: Orphanet 207085, MedGen C5679787, MONDO:0016147.

Submissions (2):

Women's Health and Genetics/Laboratory Corporation of America, LabCorp
Classification: Likely pathogenic for Neuromuscular disease caused by qualitative or quantitative defects of dystrophin. Last evaluated: 2026-03-06. Review status: criteria provided, single submitter. Criteria: LabCorp Variant Classification Summary - May 2015. Collection method: clinical testing. Allele origin: germline.
Comment: Variant summary: DMD c.1813-29_1813-2del28 is located in a canonical splice-site and is predicted to affect mRNA splicing resulting in a significantly altered protein due to either exon skipping, shortening, or inclusion of intronic material. Variants that disrupt the consensus splice site are a relatively common cause of aberrant splicing and loss of DMD function. Several computational tools predict a significant impact on normal splicing: Five predict the variant abolishes a 3' acceptor site. However, these predictions have yet to be confirmed by functional studies. The variant was absent in 176965 control chromosomes. To our knowledge, no occurrence of c.1813-29_1813-2del28 in individuals affected with DMD-related conditions and no experimental evidence demonstrating its impact on protein function have been reported. No submitters have cited clinical-significance assessments for this variant to ClinVar. Based on the evidence outlined above, the variant was classified as likely pathogenic.

Otogenetics
Classification: Likely pathogenic for Duchenne muscular dystrophy; Becker muscular dystrophy. Last evaluated: 2026-01-16. Review status: criteria provided, single submitter. Criteria: ACMG Guidelines, 2015. Collection method: clinical testing. Allele origin: germline.
Comment: PVS1_Strong: Null variant occurring in a canonical splice site (acceptor site) in gene with loss of function as mechanism of disease, not predicted to disrupt the reading frame, but truncated/altered region critical to protein function; PM2: Variant not observed in gnomAD (<0.05% threshold)

NM_004006.3(DMD):c.1813-29_1813-2del

Gene: DMD (dystrophin; minus strand). Cytogenetic location: Xp21.1.
Variant type: Deletion.
Coding change: c.1813-29_1813-2del on transcript NM_004006.3 (MANE Select); 29 bases into the intron before coding-DNA position 1813 through the canonical splice acceptor site of the intron before coding-DNA position 1813, 28 bases deleted (TTATTCTGTGATCTTTCTTGTTTTAACA).
Molecular consequence: splice acceptor variant.
Genome position (GRCh38, 1-based): chrX:32,565,883-32,565,910, TGTTAAAACAAGAAAGATCACAGAATAA deleted on the plus strand (TTATTCTGTGATCTTTCTTGTTTTAACA on the coding strand, the reverse complement: DMD is on the minus strand). VCF-style (leftmost placement, unchanged base first): chrX-32565882-CTGTTAAAACAAGAAAGATCACAGAATAA-C. GRCh37 (hg19) VCF-style: chrX-32583999-CTGTTAAAACAAGAAAGATCACAGAATAA-C.
Other names: c.1789-29_1789-2del (NM_000109.4); c.1801-29_1801-2del (NM_004009.3); c.1444-29_1444-2del (NM_004010.3); c.1813-29_1813-2del28 (NM_004006.3).
Identifiers: ClinVar variation 4847424 (VCV004847424.2).